The following is an entry in ClinVar:

NM_017654.4(SAMD9):c.2708A>C (p.Asn903Thr)

Gene: SAMD9 (sterile alpha motif domain containing 9; minus strand). Cytogenetic location: 7q21.2.
Variant type: single nucleotide variant.
Coding change: c.2708A>C on transcript NM_017654.4 (MANE Select); coding-DNA position 2708, A replaced by C.
Protein change: p.Asn903Thr; replaces asparagine 903 with threonine.
Molecular consequence: missense variant.
Genome position (GRCh38, 1-based): chr7:93,103,390, T>G on the plus strand (A>C on the coding strand, the complement: SAMD9 is on the minus strand). VCF-style: chr7-93103390-T-G. GRCh37 (hg19) VCF-style: chr7-92732703-T-G.
Other names: c.2708A>C, p.Asn903Thr (NM_001193307.2); short protein forms N903T.
Identifiers: ClinVar variation 3602702 (VCV003602702.1).

ClinVar aggregate classification (germline): Uncertain significance (1 of 4 stars; one submission).

Conditions:
Ataxia-pancytopenia syndrome (ATXPC). Also called: SAMD9L Ataxia-Pancytopenia Syndrome; SAMD9L-Related Syndrome. Identifiers: Orphanet 2585, MedGen C1327919, MONDO:0008038, OMIM 159550.

Submission:

St. Jude Molecular Pathology, St. Jude Children's Research Hospital
Classification: Uncertain significance for Ataxia-pancytopenia syndrome. Last evaluated: 2024-08-08. Review status: criteria provided, single submitter. Criteria: St. Jude Assertion Criteria 2020. Collection method: clinical testing. Allele origin: germline.
Comment: The SAMD9 c.2708A>C (p.Asn903Thr) missense change is absent in gnomAD v2.1.1. The in silico tool REVEL predicts a benign effect on protein function, however in silico predictions have not been found to correlate with syndromic risk for SAMD9 variants and are thus not considered supporting evidence of a pathogenic or benign effect (PMID: 34621053). To our knowledge, this variant has not been reported in individuals with SAMD9-associated conditions. In summary, the evidence currently available is insufficient to determine the clinical significance of this variant. It has therefore been classified as of uncertain significance.